The following is an entry in ClinVar:

NM_005857.5(ZMPSTE24):c.1349G>A (p.Trp450Ter)

Gene: ZMPSTE24 (zinc metallopeptidase STE24; plus strand). Cytogenetic location: 1p34.2.
Variant type: single nucleotide variant.
Coding change: c.1349G>A on transcript NM_005857.5 (MANE Select); coding-DNA position 1349, G replaced by A.
Protein change: p.Trp450Ter; replaces tryptophan 450 with a stop codon.
Molecular consequence: nonsense.
Genome position (GRCh38, 1-based): chr1:40,292,590, G>A. VCF-style: chr1-40292590-G-A. GRCh37 (hg19) VCF-style: chr1-40758262-G-A.
Other names: c.1349G>A, p.Trp450Ter (LRG_212t1); short protein forms W450*.
Identifiers: ClinVar variation 30586 (VCV000030586.1), dbSNP rs281875376, ClinGen allele CA129356.
Genomic context (GRCh38, chr1:40,292,590, plus strand): 5'-ACTTATATTCTGCTTTAATCAAACTTAACAAAGATAACTTGGGATTCCCTGTTTCTGACT[G>A]GTTGTTCTCAATGTGGCATTATTCTCATCCTCCACTGCTAGAGAGACTTCAAGCTTTGAA-3'

ClinVar aggregate classification (germline): Pathogenic. Review status: no assertion criteria provided (0 of 4 stars). 2 submissions from 2 submitters: Pathogenic (1). 1 of the submissions does not count toward it. Last evaluated 2010-11-01.

Conditions:
Mandibuloacral dysplasia with type B lipodystrophy (MADB). Also called: LIPODYSTROPHY, TYPE B, ASSOCIATED WITH MANDIBULOACRAL DYSPLASIA. Identifiers: Orphanet 2457, Orphanet 90154, MedGen C1837756, MONDO:0012074, OMIM 608612.

Allele frequency attached by ClinVar (database versions not stated): gnomAD exomes below 0.00001.

Submissions (2):

OMIM
Classification: Pathogenic for MANDIBULOACRAL DYSPLASIA WITH TYPE B LIPODYSTROPHY. Last evaluated: 2010-11-01. Review status: no assertion criteria provided. Collection method: literature only. Allele origin: germline.

ZMPSTE24 homepage - Leiden Muscular Dystrophy pages
No classification provided. Review status: no classification provided. Collection method: not provided. Allele origin: germline. Not counted in ClinVar's aggregate classification.
Comment: has functional consequence

Literature cited by the submitters: PubMed 20814950 (cited by OMIM).